The following is an entry in ClinVar:

ClinVar aggregate classification (germline): Uncertain significance (1 of 4 stars; one submission).

Submission:

Women's Health and Genetics/Laboratory Corporation of America, LabCorp
Classification: Uncertain significance. Last evaluated: 2024-06-24. Review status: criteria provided, single submitter. Criteria: LabCorp Variant Classification Summary - May 2015. Collection method: clinical testing. Allele origin: germline.
Comment: Variant summary: SOX3 c.16G>A (p.Glu6Lys) results in a conservative amino acid change in the encoded protein sequence. Four of five in-silico tools predict a benign effect of the variant on protein function. The frequency data for this variant in gnomAD is considered unreliable, as metrics indicate poor data quality at this position. To our knowledge, no occurrence of c.16G>A in individuals affected with SOX3-Related Disorders and no experimental evidence demonstrating its impact on protein function have been reported. No submitters have cited clinical-significance assessments for this variant to ClinVar. Based on the evidence outlined above, the variant was classified as uncertain significance.

NM_005634.3(SOX3):c.16G>A (p.Glu6Lys)

Genes: SOX3 (SRY-box transcription factor 3; minus strand), LOC108281134 (SOX3 promoter region; plus strand). Cytogenetic location: Xq27.1.
Variant type: single nucleotide variant.
Coding change: c.16G>A on transcript NM_005634.3 (MANE Select); coding-DNA position 16, G replaced by A.
Protein change: p.Glu6Lys; replaces glutamic acid 6 with lysine.
Molecular consequence: missense variant.
Genome position (GRCh38, 1-based): chrX:140,505,045, C>T on the plus strand (G>A on the coding strand, the complement: SOX3 is on the minus strand). VCF-style: chrX-140505045-C-T. GRCh37 (hg19) VCF-style: chrX-139587210-C-T.
Other names: short protein forms E6K.
Identifiers: ClinVar variation 3339831 (VCV003339831.1).
Genomic context (GRCh38, chrX:140,505,045, plus strand): 5'-TCAAAATGCTCCGCGCCAAATCAGCAGGAACCCGCGGGCTTCTCGCACCTGATGAGTTCT[C>T]TCGAACAGGTCGCATTCACAGTCTGCCTGGGCTCTAGCTGGGCCCCTTATATACCTGCTC-3'
Protein context (NP_005625.2, residues 1-16): MRPVR[Glu6Lys]NSSGARSPRV